The following is an entry in ClinVar:

ClinVar aggregate classification (germline): Uncertain significance. Review status: criteria provided, multiple submitters, no conflicts (2 of 4 stars). 2 submissions from 2 submitters: Uncertain significance (2). Last evaluated 2024-10-16.

Conditions:
Autosomal systemic lupus erythematosus type 16. Also called: Systemic lupus erythematosus 16. Identifiers: Orphanet 300345, MedGen C3280742, MONDO:0013743, OMIM 614420.

gnomAD v4.1: 1 of 1,614,234 alleles (0.000062%); highest among the groups gnomAD compares: South Asian, 0.0011%; no homozygotes.

Submissions (2):

Labcorp Genetics (formerly Invitae), Labcorp
Classification: Uncertain significance. Last evaluated: 2024-10-16. Review status: criteria provided, single submitter. Criteria: Invitae Variant Classification Sherloc (09022015). Collection method: clinical testing. Allele origin: germline.
Comment: This sequence change replaces isoleucine, which is neutral and non-polar, with threonine, which is neutral and polar, at codon 55 of the DNASE1L3 protein (p.Ile55Thr). This variant is not present in population databases (gnomAD no frequency). This variant has not been reported in the literature in individuals affected with DNASE1L3-related conditions. ClinVar contains an entry for this variant (Variation ID: 1929957). An algorithm developed to predict the effect of missense changes on protein structure and function (PolyPhen-2) suggests that this variant¬†is likely to be tolerated. In summary, the available evidence is currently insufficient to determine the role of this variant in disease. Therefore, it has been classified as a Variant of Uncertain Significance.

Fulgent Genetics
Classification: Uncertain significance for Autosomal systemic lupus erythematosus type 16. Last evaluated: 2024-02-04. Review status: criteria provided, single submitter. Criteria: ACMG Guidelines, 2015. Collection method: clinical testing. Allele origin: germline.

NM_004944.4(DNASE1L3):c.164T>C (p.Ile55Thr)

Gene: DNASE1L3 (deoxyribonuclease 1L3; minus strand). Cytogenetic location: 3p14.3.
Variant type: single nucleotide variant.
Coding change: c.164T>C on transcript NM_004944.4 (MANE Select); coding-DNA position 164, T replaced by C.
Protein change: p.Ile55Thr; replaces isoleucine 55 with threonine.
Molecular consequence: missense variant.
Genome position (GRCh38, 1-based): chr3:58,208,284, A>G on the plus strand (T>C on the coding strand, the complement: DNASE1L3 is on the minus strand). VCF-style: chr3-58208284-A-G. GRCh37 (hg19) VCF-style: chr3-58194011-A-G.
Other names: c.164T>C, p.Ile55Thr (NM_001256560.2); short protein forms I55T.
Identifiers: ClinVar variation 1929957 (VCV001929957.5), dbSNP rs2097405361, ClinGen allele CA353341041.